The following is an entry in ClinVar:

ClinVar aggregate classification (germline): Likely benign. Review status: criteria provided, multiple submitters, no conflicts (2 of 4 stars). 3 submissions from 3 submitters: Likely benign (2). 1 of the submissions does not count toward it. Last evaluated 2026-01-01.

Conditions:
TUBGCP4-related disorder. Also called: TUBGCP4-related condition.

Allele frequency attached by ClinVar (database versions not stated): ExAC 0.00009; gnomAD 0.00010 and 0.00012; ESP Exome Variant Server 0.00016; TOPMed 0.00025.
gnomAD v4.1: 140 of 1,614,068 alleles (0.0087%); highest among the groups gnomAD compares: Admixed American, 0.05%; no homozygotes.

Submissions (3):

Labcorp Genetics (formerly Invitae), Labcorp
Classification: Likely benign. Last evaluated: 2026-01-01. Review status: criteria provided, single submitter. Criteria: Invitae Variant Classification Sherloc (09022015). Collection method: clinical testing. Allele origin: germline.

Blueprint Genetics
Classification: Likely benign. Last evaluated: 2024-09-24. Review status: criteria provided, single submitter. Criteria: ACMG Guidelines, 2015. Collection method: clinical testing. Allele origin: germline.

PreventionGenetics, part of Exact Sciences
Classification: Likely benign for TUBGCP4-related condition. Last evaluated: 2019-07-24. Review status: no assertion criteria provided. Collection method: clinical testing. Allele origin: germline. Not counted in ClinVar's aggregate classification.
Comment: This variant is classified as likely benign based on ACMG/AMP sequence variant interpretation guidelines (Richards et al. 2015 PMID: 25741868, with internal and published modifications).

NM_014444.5(TUBGCP4):c.1518G>A (p.Ser506=)

Gene: TUBGCP4 (tubulin gamma complex component 4; plus strand). Cytogenetic location: 15q15.3.
Variant type: single nucleotide variant.
Coding change: c.1518G>A on transcript NM_014444.5 (MANE Select); coding-DNA position 1518, G replaced by A.
Protein change: p.Ser506=; no amino-acid change (serine 506 retained).
Molecular consequence: synonymous variant.
Genome position (GRCh38, 1-based): chr15:43,400,143, G>A. VCF-style: chr15-43400143-G-A. GRCh37 (hg19) VCF-style: chr15-43692341-G-A.
Other names: c.1521G>A, p.Ser507= (NM_001286414.3).
Identifiers: ClinVar variation 726427 (VCV000726427.13), dbSNP rs200586648, ClinGen allele CA7524110.
Genomic context (GRCh38, chr15:43,400,143, plus strand): 5'-GGTGCAAGCTGAGCTGCAGCACTGCTGGGCCCTACAAATGCAGCGCAAGCACCTCAAGTC[G>A]AACCAGACTGATGCAATCAAGTGGCGCCTAAGAAATCACATGGCATTTTTGGTGGATAAT-3'
Protein context (NP_055259.2, residues 496-516): ALQMQRKHLK[Ser506=]NQTDAIKWRL